The following is an entry in ClinVar:

NM_001042492.3(NF1):c.924_927del (p.Gly309fs)

Gene: NF1 (neurofibromin 1; plus strand). Cytogenetic location: 17q11.2.
Variant type: Deletion.
Coding change: c.924_927del on transcript NM_001042492.3 (MANE Select); coding-DNA positions 924 to 927, 4 bases deleted (TGGC; older notation c.924_927delTGGC).
Protein change: p.Gly309fs; shifts the reading frame from glycine 309.
Molecular consequence: frameshift variant.
Genome position (GRCh38, 1-based): chr17:31,200,457-31,200,460, TGGC deleted; deleting any 4 consecutive bases within chr17:31,200,455-31,200,460 gives the same sequence; the c. name uses the placement nearest the transcript's 3' end. VCF-style (leftmost placement, unchanged base first): chr17-31200454-TGCTG-T. GRCh37 (hg19) VCF-style: chr17-29527472-TGCTG-T.
Other names: c.924_927delTGGC (NM_000267.3); c.924_927delTGGC, p.Gly309Metfs (NM_000267.4); c.924_927del, p.Gly309fs (NM_001128147.3); short protein forms G309fs.
Identifiers: ClinVar variation 404496 (VCV000404496.6), dbSNP rs1060500301, ClinGen allele CA16615424.

ClinVar aggregate classification (germline): Pathogenic. Review status: criteria provided, multiple submitters, no conflicts (2 of 4 stars). 2 submissions from 2 submitters: Pathogenic (2). Last evaluated 2026-07-21.

Conditions:
Hereditary cancer-predisposing syndrome. Also called: Neoplastic Syndromes, Hereditary; Hereditary Cancer Syndrome; Tumor predisposition; Hereditary neoplastic syndrome. Identifiers: Orphanet 140162, MedGen C0027672, MeSH D009386, MONDO:0015356.
Cardiovascular phenotype. Identifiers: MedGen CN230736.
Neurofibromatosis, type 1 (NF1). Also called: VON RECKLINGHAUSEN DISEASE; Neurofibromatosis, type I; NEUROFIBROMATOSIS, TYPE I, SOMATIC; Peripheral type neurofibromatosis. Identifiers: Orphanet 636, MedGen C0027831, MONDO:0018975, OMIM 162200. Disease mechanism: loss of function.

Submissions (2):

Ambry Genetics
Classification: Pathogenic for Cardiovascular phenotype; Hereditary cancer-predisposing syndrome. Last evaluated: 2026-07-21. Review status: criteria provided, single submitter. Criteria: Ambry Variant Classification Scheme 2023. Collection method: clinical testing. Allele origin: germline.
Comment: The c.924_927delTGGC pathogenic mutation, located in coding exon 9 of the NF1 gene, results from a deletion of 4 nucleotides at nucleotide positions 924 to 927, causing a translational frameshift with a predicted alternate stop codon (p.G309Mfs*7). This variant is considered to be rare based on population cohorts in the Genome Aggregation Database (gnomAD). This alteration is expected to result in loss of function by premature protein truncation or nonsense-mediated mRNA decay. As such, this alteration is interpreted as a disease-causing mutation.

Labcorp Genetics (formerly Invitae), Labcorp
Classification: Pathogenic for Neurofibromatosis, type 1. Last evaluated: 2022-10-19. Review status: criteria provided, single submitter. Criteria: Invitae Variant Classification Sherloc (09022015). Collection method: clinical testing. Allele origin: germline.
Comment: For these reasons, this variant has been classified as Pathogenic. ClinVar contains an entry for this variant (Variation ID: 404496). This variant has not been reported in the literature in individuals affected with NF1-related conditions. This variant is not present in population databases (gnomAD no frequency). This sequence change creates a premature translational stop signal (p.Gly309Metfs*7) in the NF1 gene. It is expected to result in an absent or disrupted protein product. Loss-of-function variants in NF1 are known to be pathogenic (PMID: 10712197, 23913538).

Literature cited by the submitters: PubMed 10712197 (cited by Labcorp Genetics (formerly Invitae), Labcorp); PubMed 23913538 (cited by Labcorp Genetics (formerly Invitae), Labcorp).